The following is an entry in ClinVar:

ClinVar aggregate classification (germline): Benign/Likely benign. Review status: criteria provided, multiple submitters, no conflicts (2 of 4 stars). 4 submissions from 4 submitters: Benign (2); Likely benign (2). Last evaluated 2024-12-30.

Conditions:
Lynch syndrome 5 (LYNCH5). Also called: Colorectal cancer, hereditary nonpolyposis, type 5; Hereditary non-polyposis colorectal cancer, type 5. Identifiers: Orphanet 144, MedGen C1833477, MONDO:0013710, OMIM 614350. Disease mechanism: loss of function.
Hereditary nonpolyposis colorectal neoplasms. Identifiers: MedGen C0009405, MeSH D003123.
Hereditary cancer-predisposing syndrome. Also called: Tumor predisposition; Hereditary Cancer Syndrome; Neoplastic Syndromes, Hereditary; Hereditary neoplastic syndrome. Identifiers: Orphanet 140162, MedGen C0027672, MeSH D009386, MONDO:0015356.

Allele frequency attached by ClinVar (database versions not stated): ExAC 0.00001; gnomAD exomes 0.00001.

Submissions (4):

Myriad Genetics, Inc.
Classification: Benign for Lynch syndrome 5. Last evaluated: 2024-12-30. Review status: criteria provided, single submitter. Criteria: Myriad Autosomal Dominant, Autosomal Recessive and X-Linked Classification Criteria (2023). Collection method: clinical testing. Allele origin: unknown.
Comment: This variant is considered benign. This variant is a silent/synonymous amino acid change and it is not expected to impact splicing.

Labcorp Genetics (formerly Invitae), Labcorp
Classification: Benign for Hereditary nonpolyposis colorectal neoplasms. Last evaluated: 2024-12-23. Review status: criteria provided, single submitter. Criteria: Invitae Variant Classification Sherloc (09022015). Collection method: clinical testing. Allele origin: germline.

Ambry Genetics
Classification: Likely benign for Hereditary cancer-predisposing syndrome. Last evaluated: 2021-04-19. Review status: criteria provided, single submitter. Criteria: Ambry Variant Classification Scheme 2023. Collection method: clinical testing. Allele origin: germline.

Color Diagnostics, LLC DBA Color Health
Classification: Likely benign for Hereditary cancer-predisposing syndrome. Last evaluated: 2021-03-16. Review status: criteria provided, single submitter. Criteria: ACMG Guidelines, 2015. Collection method: clinical testing. Allele origin: germline.

NM_000179.3(MSH6):c.2004C>G (p.Ser668=)

Gene: MSH6 (mutS homolog 6; plus strand). Cytogenetic location: 2p16.3.
Variant type: single nucleotide variant.
Coding change: c.2004C>G on transcript NM_000179.3 (MANE Select); coding-DNA position 2004, C replaced by G.
Protein change: p.Ser668=; no amino-acid change (serine 668 retained).
Molecular consequence: synonymous variant.
Genome position (GRCh38, 1-based): chr2:47,799,987, C>G. VCF-style: chr2-47799987-C-G. GRCh37 (hg19) VCF-style: chr2-48027126-C-G.
Other names: c.1614C>G, p.Ser538= (NM_001281492.2); c.1098C>G, p.Ser366= (NM_001281493.2, NM_001281494.2).
Identifiers: ClinVar variation 1332030 (VCV001332030.7), dbSNP rs766113887, ClinGen allele CA068345.